The following is an entry in ClinVar:

ClinVar aggregate classification (germline): Uncertain significance (1 of 4 stars; one submission).

Allele frequency attached by ClinVar (database versions not stated): ExAC 0.00001.

Submission:

Labcorp Genetics (formerly Invitae), Labcorp
Classification: Uncertain significance. Last evaluated: 2025-04-20. Review status: criteria provided, single submitter. Criteria: Invitae Variant Classification Sherloc (09022015). Collection method: clinical testing. Allele origin: germline.
Comment: This sequence change replaces leucine, which is neutral and non-polar, with valine, which is neutral and non-polar, at codon 568 of the DCHS1 protein (p.Leu568Val). This variant is present in population databases (rs776220352, gnomAD 0.0009%). This variant has not been reported in the literature in individuals affected with DCHS1-related conditions. ClinVar contains an entry for this variant (Variation ID: 2879618). Invitae Evidence Modeling of protein sequence and biophysical properties (such as structural, functional, and spatial information, amino acid conservation, physicochemical variation, residue mobility, and thermodynamic stability) has been performed for this missense variant. However, the output from this modeling did not meet the statistical confidence thresholds required to predict the impact of this variant on DCHS1 protein function. In summary, the available evidence is currently insufficient to determine the role of this variant in disease. Therefore, it has been classified as a Variant of Uncertain Significance.

NM_003737.4(DCHS1):c.1702C>G (p.Leu568Val)

Gene: DCHS1 (dachsous cadherin-related 1; minus strand). Cytogenetic location: 11p15.4.
Variant type: single nucleotide variant.
Coding change: c.1702C>G on transcript NM_003737.4 (MANE Select); coding-DNA position 1702, C replaced by G.
Protein change: p.Leu568Val; replaces leucine 568 with valine.
Molecular consequence: missense variant.
Genome position (GRCh38, 1-based): chr11:6,639,912, G>C on the plus strand (C>G on the coding strand, the complement: DCHS1 is on the minus strand). VCF-style: chr11-6639912-G-C. GRCh37 (hg19) VCF-style: chr11-6661143-G-C.
Other names: short protein forms L568V.
Identifiers: ClinVar variation 2879618 (VCV002879618.3), dbSNP rs776220352, ClinGen allele CA5860910.